The following is an entry in ClinVar:

ClinVar aggregate classification (germline): Uncertain significance (1 of 4 stars; one submission).

Conditions:
Lissencephaly 8 (LIS8). Identifiers: MedGen C4310646, MONDO:0014992, OMIM 617255.

gnomAD v4.1: 2 of 1,613,262 alleles (0.00012%); highest among the groups gnomAD compares: Non-Finnish European, 0.000085%; no homozygotes.

Submission:

3billion
Classification: Uncertain significance for Lissencephaly 8. Last evaluated: 2026-01-29. Review status: criteria provided, single submitter. Criteria: ACMG Guidelines, 2015. Collection method: clinical testing. Allele origin: germline. Affected: yes.
Comment: The variant is observed at an extremely low frequency in the gnomAD v4.1.0 dataset (total allele frequency: <0.001%). Predicted Consequence/Location: Missense variant Damaging effect on gene or gene product predicted by in silico programs is uncertain [REVEL: 0.53 (damaging >=0.6, benign <0.4), 3Cnet: 0.00 (damaging >0.75, benign <0.1)]. Therefore, this variant is classified as VUS according to the recommendation of ACMG/AMP guideline.

NM_181783.4(TMTC3):c.807C>A (p.Asn269Lys)

Gene: TMTC3 (transmembrane O-mannosyltransferase targeting cadherins 3; plus strand). Cytogenetic location: 12q21.32.
Variant type: single nucleotide variant.
Coding change: c.807C>A on transcript NM_181783.4 (MANE Select); coding-DNA position 807, C replaced by A.
Protein change: p.Asn269Lys; replaces asparagine 269 with lysine.
Molecular consequence: missense variant. On other transcripts: non-coding transcript variant (1).
Genome position (GRCh38, 1-based): chr12:88,166,339, C>A. VCF-style: chr12-88166339-C-A. GRCh37 (hg19) VCF-style: chr12-88560116-C-A.
Other names: c.627C>A, p.Asn209Lys (NM_001366574.1); c.588C>A, p.Asn196Lys (NM_001366579.1); c.540C>A, p.Asn180Lys (NM_001366580.1); c.114C>A, p.Asn38Lys (NM_001366583.1); short protein forms N180K, N196K, N209K, N269K, N38K.
Identifiers: ClinVar variation 4854297 (VCV004854297.1).